The following is an entry in ClinVar:

NM_006231.4(POLE):c.2326A>G (p.Lys776Glu)

Gene: POLE (DNA polymerase epsilon, catalytic subunit; minus strand). Cytogenetic location: 12q24.33.
Variant type: single nucleotide variant.
Coding change: c.2326A>G on transcript NM_006231.4 (MANE Select); coding-DNA position 2326, A replaced by G.
Protein change: p.Lys776Glu; replaces lysine 776 with glutamic acid.
Molecular consequence: missense variant.
Genome position (GRCh38, 1-based): chr12:132,665,444, T>C on the plus strand (A>G on the coding strand, the complement: POLE is on the minus strand). VCF-style: chr12-132665444-T-C. GRCh37 (hg19) VCF-style: chr12-133242030-T-C.
Other names: short protein forms K776E.
Identifiers: ClinVar variation 3225413 (VCV003225413.1), dbSNP rs2542075652, ClinGen allele CA387398062.

ClinVar aggregate classification (germline): Uncertain significance (1 of 4 stars; one submission).

Conditions:
Hereditary cancer-predisposing syndrome. Also called: Neoplastic Syndromes, Hereditary; Tumor predisposition; Hereditary neoplastic syndrome; Hereditary Cancer Syndrome. Identifiers: Orphanet 140162, MedGen C0027672, MeSH D009386, MONDO:0015356.

Submission:

Ambry Genetics
Classification: Uncertain significance for Hereditary cancer-predisposing syndrome. Last evaluated: 2024-03-01. Review status: criteria provided, single submitter. Criteria: Ambry Variant Classification Scheme 2023. Collection method: clinical testing. Allele origin: germline.
Comment: The p.K776E variant (also known as c.2326A>G), located in coding exon 21 of the POLE gene, results from an A to G substitution at nucleotide position 2326. The lysine at codon 776 is replaced by glutamic acid, an amino acid with similar properties. This amino acid position is conserved. In addition, this alteration is predicted to be tolerated by in silico analysis. Based on the available evidence, the clinical significance of this alteration remains unclear.